The following is an entry in ClinVar:

ClinVar aggregate classification (germline): Pathogenic (1 of 4 stars; one submission).

Conditions:
Hereditary cancer-predisposing syndrome. Also called: Neoplastic Syndromes, Hereditary; Tumor predisposition; Hereditary neoplastic syndrome; Hereditary Cancer Syndrome. Identifiers: Orphanet 140162, MedGen C0027672, MeSH D009386, MONDO:0015356.

Submission:

Ambry Genetics
Classification: Pathogenic for Hereditary cancer-predisposing syndrome. Last evaluated: 2023-12-04. Review status: criteria provided, single submitter. Criteria: Ambry Variant Classification Scheme 2023. Collection method: clinical testing. Allele origin: germline.
Comment: The c.1483delT pathogenic mutation, located in coding exon 10 of the BRIP1 gene, results from a deletion of one nucleotide at nucleotide position 1483, causing a translational frameshift with a predicted alternate stop codon (p.S495Lfs*31). This variant is considered to be rare based on population cohorts in the Genome Aggregation Database (gnomAD). This alteration is expected to result in loss of function by premature protein truncation or nonsense-mediated mRNA decay. As such, this alteration is interpreted as a disease-causing mutation.

NM_032043.3(BRIP1):c.1483del (p.Ser495fs)

Gene: BRIP1 (BRCA1 interacting DNA helicase 1; minus strand). Cytogenetic location: 17q23.2.
Variant type: Deletion.
Coding change: c.1483del on transcript NM_032043.3 (MANE Select); coding-DNA position 1483, one base deleted (T; older notation c.1483delT).
Protein change: p.Ser495fs; shifts the reading frame from serine 495.
Molecular consequence: frameshift variant.
Genome position (GRCh38, 1-based): chr17:61,784,415, A deleted on the plus strand (T on the coding strand, the reverse complement: BRIP1 is on the minus strand); the first of 5 consecutive A bases (chr17:61,784,415-61,784,419); deleting any one gives the same sequence. VCF-style (leftmost placement, unchanged base first): chr17-61784414-GA-G. GRCh37 (hg19) VCF-style: chr17-59861775-GA-G.
Other names: c.1483delT (NM_032043.2); short protein forms S495fs.
Identifiers: ClinVar variation 3228090 (VCV003228090.1), dbSNP rs1555603622, ClinGen allele CA645583905.
Genomic context (GRCh38, chr17:61,784,414, plus strand): 5'-TCTCTTGCCTCCTCTTTACCATAAATTGGTGAGATTTTTTCCTCTTTTTGAAGAACAGCA[GA>G]AAAATGTCCCTATAAGAAATTACCATATTAAGTATAGAGGGGTTGGGAGGGAATTGGAAA-3'